The following is an entry in ClinVar:

ClinVar aggregate classification (germline): Likely benign (0 of 4 stars; one submission).

Conditions:
CIT-related disorder. Also called: CIT-related condition.

Allele frequency attached by ClinVar (database versions not stated): gnomAD exomes below 0.00001.
gnomAD v4.1: 2 of 1,526,472 alleles (0.00013%); highest among the groups gnomAD compares: Non-Finnish European, 0.00018%; no homozygotes.

Submission:

PreventionGenetics, part of Exact Sciences
Classification: Likely benign for CIT-related condition. Last evaluated: 2019-09-19. Review status: no assertion criteria provided. Collection method: clinical testing. Allele origin: germline.
Comment: This variant is classified as likely benign based on ACMG/AMP sequence variant interpretation guidelines (Richards et al. 2015 PMID: 25741868, with internal and published modifications).

NM_001206999.2(CIT):c.5613T>G (p.Pro1871=)

Gene: CIT (citron rho-interacting serine/threonine kinase; minus strand). Cytogenetic location: 12q24.23.
Variant type: single nucleotide variant.
Coding change: c.5613T>G on transcript NM_001206999.2 (MANE Select); coding-DNA position 5613, T replaced by G.
Protein change: p.Pro1871=; no amino-acid change (proline 1871 retained).
Molecular consequence: synonymous variant.
Genome position (GRCh38, 1-based): chr12:119,700,755, A>C on the plus strand (T>G on the coding strand, the complement: CIT is on the minus strand). VCF-style: chr12-119700755-A-C. GRCh37 (hg19) VCF-style: chr12-120138560-A-C.
Other names: c.5487T>G, p.Pro1829= (NM_007174.3).
Identifiers: ClinVar variation 3039941 (VCV003039941.2), dbSNP rs2136979223, ClinGen allele CA482056139.